The following is an entry in ClinVar:

NM_002474.3(MYH11):c.3507-5C>A

Gene: MYH11 (myosin heavy chain 11; minus strand). Cytogenetic location: 16p13.11.
Variant type: single nucleotide variant.
Coding change: c.3507-5C>A on transcript NM_002474.3 (MANE Select); 5 bases into the intron before coding-DNA position 3507, C replaced by A.
Molecular consequence: intron variant.
Genome position (GRCh38, 1-based): chr16:15,732,713, G>T on the plus strand (C>A on the coding strand, the complement: MYH11 is on the minus strand). VCF-style: chr16-15732713-G-T. GRCh37 (hg19) VCF-style: chr16-15826570-G-T.
Other names: c.3507-5C>A (NM_022844.3); c.3528-5C>A (NM_001040114.2, NM_001040113.2).
Identifiers: ClinVar variation 512720 (VCV000512720.1), dbSNP rs1555555804, ClinGen allele CA493771675.

ClinVar aggregate classification (germline): Likely benign (1 of 4 stars; one submission).

Submission:

GeneDx
Classification: Likely benign. Last evaluated: 2017-10-19. Review status: criteria provided, single submitter. Criteria: GeneDx Variant Classification (06012015). Collection method: clinical testing. Allele origin: germline. Affected: yes.
Comment: This variant is considered likely benign or benign based on one or more of the following criteria: it is a conservative change, it occurs at a poorly conserved position in the protein, it is predicted to be benign by multiple in silico algorithms, and/or has population frequency not consistent with disease.